The following is an entry in ClinVar:

ClinVar aggregate classification (germline): Pathogenic/Likely pathogenic. Review status: criteria provided, multiple submitters, no conflicts (2 of 4 stars). 2 submissions from 2 submitters: Pathogenic (1); Likely pathogenic (1). Last evaluated 2023-12-01.

Conditions:
Neurofibromatosis, type 1 (NF1). Also called: Peripheral type neurofibromatosis; VON RECKLINGHAUSEN DISEASE; NEUROFIBROMATOSIS, TYPE I, SOMATIC; Neurofibromatosis, type I. Identifiers: Orphanet 636, MedGen C0027831, MONDO:0018975, OMIM 162200. Disease mechanism: loss of function.
NF1-related disorder. Also called: NF1-related condition. Identifiers: MedGen CN379171.

Submissions (2):

Blueprint Genetics
Classification: Likely pathogenic for NF1-related disorders. Last evaluated: 2023-12-01. Review status: criteria provided, single submitter. Criteria: ACMG Guidelines, 2015. Collection method: clinical testing. Allele origin: germline. Affected: yes. Observed: 1 variant allele.

Labcorp Genetics (formerly Invitae), Labcorp
Classification: Pathogenic for Neurofibromatosis, type 1. Last evaluated: 2023-10-13. Review status: criteria provided, single submitter. Criteria: Invitae Variant Classification Sherloc (09022015). Collection method: clinical testing. Allele origin: germline.
Comment: This sequence change creates a premature translational stop signal (p.Cys42*) in the NF1 gene. It is expected to result in an absent or disrupted protein product. Loss-of-function variants in NF1 are known to be pathogenic (PMID: 10712197, 23913538). This variant is not present in population databases (gnomAD no frequency). This variant has not been reported in the literature in individuals affected with NF1-related conditions. For these reasons, this variant has been classified as Pathogenic.

Literature cited by the submitters: PubMed 10712197 (cited by Labcorp Genetics (formerly Invitae), Labcorp); PubMed 23913538 (cited by Labcorp Genetics (formerly Invitae), Labcorp).

NM_001042492.3(NF1):c.126T>A (p.Cys42Ter)

Gene: NF1 (neurofibromin 1; plus strand). Cytogenetic location: 17q11.2.
Variant type: single nucleotide variant.
Coding change: c.126T>A on transcript NM_001042492.3 (MANE Select); coding-DNA position 126, T replaced by A.
Protein change: p.Cys42Ter; replaces cysteine 42 with a stop codon.
Molecular consequence: nonsense.
Genome position (GRCh38, 1-based): chr17:31,156,048, T>A. VCF-style: chr17-31156048-T-A. GRCh37 (hg19) VCF-style: chr17-29483066-T-A.
Other names: c.126T>A, p.Cys42Ter (NM_000267.4, NM_001128147.3); short protein forms C42*.
Identifiers: ClinVar variation 2768055 (VCV002768055.4), dbSNP rs2143626256, ClinGen allele CA398988386.